The following is an entry in ClinVar:

NM_002335.4(LRP5):c.4258G>A (p.Gly1420Arg)

Gene: LRP5 (LDL receptor related protein 5; plus strand). Cytogenetic location: 11q13.2.
Variant type: single nucleotide variant.
Coding change: c.4258G>A on transcript NM_002335.4 (MANE Select); coding-DNA position 4258, G replaced by A.
Protein change: p.Gly1420Arg; replaces glycine 1420 with arginine.
Molecular consequence: missense variant.
Genome position (GRCh38, 1-based): chr11:68,438,592, G>A. VCF-style: chr11-68438592-G-A. GRCh37 (hg19) VCF-style: chr11-68206060-G-A.
Other names: c.4258G>A (NM_002335.3); c.2515G>A, p.Gly839Arg (NM_001291902.2); short protein forms G1420R, G839R.
Identifiers: ClinVar variation 1201435 (VCV001201435.10), dbSNP rs778832210, ClinGen allele CA6150296.

ClinVar aggregate classification (germline): Uncertain significance. Review status: criteria provided, multiple submitters, no conflicts (2 of 4 stars). 4 submissions from 4 submitters: Uncertain significance (4). Last evaluated 2025-08-20.

Conditions:
Osteoporosis. Identifiers: MedGen C0029456, MONDO:0005298, OMIM 166710, HP:0000939.
Exudative vitreoretinopathy 1 (EVR1). Also called: CRISWICK-SCHEPENS SYNDROME; FEVR, AUTOSOMAL DOMINANT; Familial exudative vitreoretinopathy, autosomal dominant. Identifiers: Orphanet 891, Orphanet 90050, MedGen C1851402, MONDO:0007589, OMIM 133780.
Autosomal dominant osteopetrosis 1 (OPTA1). Also called: OSTEOPETROSIS, AUTOSOMAL DOMINANT, TYPE I. Identifiers: Orphanet 2783, MedGen C1843330, MONDO:0011877, OMIM 607634.
Bone mineral density quantitative trait locus 1 (BMND1). Identifiers: MedGen C1866079, OMIM 601884.
Worth disease. Also called: ENDOSTEAL HYPEROSTOSIS, AUTOSOMAL DOMINANT; Autosomal dominant osteosclerosis, Worth type; OSTEOSCLEROSIS, AUTOSOMAL DOMINANT. Identifiers: Orphanet 2790, MedGen C0432273, MONDO:0007764, OMIM 144750.
Exudative vitreoretinopathy 4 (EVR4). Identifiers: Orphanet 891, MedGen C1866176, MONDO:0011151, OMIM 601813.
Osteoporosis with pseudoglioma (OPPG). Also called: osteoporosis-pseudoglioma syndrome. Identifiers: Orphanet 2788, MedGen C0432252, MONDO:0009820, OMIM 259770.
Polycystic liver disease 4 with or without kidney cysts. Identifiers: MedGen C4693479, MONDO:0044327, OMIM 617875.
LRP5-related disorder. Also called: LRP5-related condition.

Allele frequency attached by ClinVar (database versions not stated): gnomAD 0.00001; gnomAD exomes 0.00001 and 0.00002; ExAC 0.00002.
gnomAD v4.1: 16 of 1,613,884 alleles (0.00099%); highest among the groups gnomAD compares: East Asian, 0.0045%; no homozygotes.

Submissions (4):

PreventionGenetics, part of Exact Sciences
Classification: Uncertain significance for LRP5-related condition. Last evaluated: 2025-08-20. Review status: criteria provided, single submitter. Criteria: ACMG Guidelines, 2015. Collection method: clinical testing. Allele origin: germline.
Comment: The LRP5 c.4258G>A variant is predicted to result in the amino acid substitution p.Gly1420Arg. To our knowledge, this variant has not been reported in the literature. This variant is present in 0.011% of alleles in individuals of East Asian descent in gnomAD. At this time, the clinical significance of this variant is uncertain due to the absence of conclusive functional and genetic evidence.

Labcorp Genetics (formerly Invitae), Labcorp
Classification: Uncertain significance. Last evaluated: 2023-01-10. Review status: criteria provided, single submitter. Criteria: Invitae Variant Classification Sherloc (09022015). Collection method: clinical testing. Allele origin: germline.
Comment: In summary, the available evidence is currently insufficient to determine the role of this variant in disease. Therefore, it has been classified as a Variant of Uncertain Significance. Advanced modeling of protein sequence and biophysical properties (such as structural, functional, and spatial information, amino acid conservation, physicochemical variation, residue mobility, and thermodynamic stability) performed at Invitae indicates that this missense variant is not expected to disrupt LRP5 protein function. ClinVar contains an entry for this variant (Variation ID: 1201435). This variant has not been reported in the literature in individuals affected with LRP5-related conditions. This variant is present in population databases (rs778832210, gnomAD 0.01%). This sequence change replaces glycine, which is neutral and non-polar, with arginine, which is basic and polar, at codon 1420 of the LRP5 protein (p.Gly1420Arg).

Fulgent Genetics
Classification: Uncertain significance for Exudative vitreoretinopathy 1; Worth disease; Osteoporosis; Osteoporosis with pseudoglioma; Exudative vitreoretinopathy 4; Bone mineral density quantitative trait locus 1; Autosomal dominant osteopetrosis 1; Polycystic liver disease 4 with or without kidney cysts. Last evaluated: 2021-12-15. Review status: criteria provided, single submitter. Criteria: ACMG Guidelines, 2015. Collection method: clinical testing. Allele origin: unknown.

GeneDx
Classification: Uncertain significance. Last evaluated: 2020-03-02. Review status: criteria provided, single submitter. Criteria: GeneDx Variant Classification Process June 2021. Collection method: clinical testing. Allele origin: germline. Affected: yes.
Comment: In silico analysis, which includes protein predictors and evolutionary conservation, supports that this variant does not alter protein structure/function; Has not been previously published as pathogenic or benign to our knowledge